The following is an entry in ClinVar:

ClinVar aggregate classification (germline): Pathogenic (1 of 4 stars; one submission).

Conditions:
Early-infantile DEE. Also called: Early infantile epileptic encephalopathy; Ohtahara syndrome; Early infantile epileptic encephalopathy with suppression bursts. Identifiers: Orphanet 1934, MedGen C0393706, MONDO:0800491.

Submission:

Labcorp Genetics (formerly Invitae), Labcorp
Classification: Pathogenic for Early-infantile DEE. Last evaluated: 2024-02-24. Review status: criteria provided, single submitter. Criteria: Invitae Variant Classification Sherloc (09022015). Collection method: clinical testing. Allele origin: germline.
Comment: This sequence change replaces aspartic acid, which is acidic and polar, with valine, which is neutral and non-polar, at codon 201 of the GNAO1 protein (p.Asp201Val). This variant is not present in population databases (gnomAD no frequency). This missense change has been observed in individual(s) with clinical features of GNAO1-related conditions (Invitae). In at least one individual the variant was observed to be de novo. ClinVar contains an entry for this variant (Variation ID: 1453190). Advanced modeling of protein sequence and biophysical properties (such as structural, functional, and spatial information, amino acid conservation, physicochemical variation, residue mobility, and thermodynamic stability) performed at Invitae indicates that this missense variant is expected to disrupt GNAO1 protein function with a positive predictive value of 95%. For these reasons, this variant has been classified as Pathogenic.

NM_020988.3(GNAO1):c.602A>T (p.Asp201Val)

Gene: GNAO1 (G protein subunit alpha o1; plus strand). Cytogenetic location: 16q13.
Variant type: single nucleotide variant.
Coding change: c.602A>T on transcript NM_020988.3 (MANE Select); coding-DNA position 602, A replaced by T.
Protein change: p.Asp201Val; replaces aspartic acid 201 with valine.
Molecular consequence: missense variant.
Genome position (GRCh38, 1-based): chr16:56,336,739, A>T. VCF-style: chr16-56336739-A-T. GRCh37 (hg19) VCF-style: chr16-56370651-A-T.
Other names: c.602A>T, p.Asp201Val (NM_138736.3); short protein forms D201V.
Identifiers: ClinVar variation 1453190 (VCV001453190.7), dbSNP rs2143664808, ClinGen allele CA395952152.